The following is an entry in ClinVar:

NM_001165963.4(SCN1A):c.5180A>G (p.Asp1727Gly)

Genes: SCN1A (sodium voltage-gated channel alpha subunit 1; minus strand), LOC102724058 (uncharacterized LOC102724058; plus strand). Cytogenetic location: 2q24.3.
Variant type: single nucleotide variant.
Coding change: c.5180A>G on transcript NM_001165963.4 (MANE Select); coding-DNA position 5180, A replaced by G.
Protein change: p.Asp1727Gly; replaces aspartic acid 1727 with glycine.
Molecular consequence: missense variant. On other transcripts: non-coding transcript variant (1).
Genome position (GRCh38, 1-based): chr2:165,992,095, T>C on the plus strand (A>G on the coding strand, the complement: SCN1A is on the minus strand). VCF-style: chr2-165992095-T-C. GRCh37 (hg19) VCF-style: chr2-166848605-T-C.
Other names: c.5096A>G, p.Asp1699Gly (NM_001165964.3, NM_001353957.2, NM_001353958.2); c.5180A>G, p.Asp1727Gly (NM_001202435.3, NM_001353948.2); c.5147A>G, p.Asp1716Gly (NM_001353949.2, NM_001353950.2, NM_001353951.2 and 2 more transcripts); c.5144A>G, p.Asp1715Gly (NM_001353954.2, NM_001353955.2); c.5093A>G, p.Asp1698Gly (NM_001353960.2); c.2738A>G, p.Asp913Gly (NM_001353961.2); short protein forms D1698G, D1699G, D1715G, D1716G, D1727G, D913G.
Identifiers: ClinVar variation 982041 (VCV000982041.4), dbSNP rs1689278062, ClinGen allele CA349068751.

ClinVar aggregate classification (germline): Pathogenic/Likely pathogenic. Review status: criteria provided, multiple submitters, no conflicts (2 of 4 stars). 2 submissions from 2 submitters: Pathogenic (1); Likely pathogenic (1). Last evaluated 2025-12-16.

Conditions:
Severe myoclonic epilepsy in infancy (DRVT). Also called: Dravet syndrome; DEVELOPMENTAL AND EPILEPTIC ENCEPHALOPATHY 6A; Epileptic encephalopathy, early infantile, 6 (Dravet syndrome); Severe Myoclonic Epilepsy in Infancy (SMEI); SEVERE MYOCLONIC EPILEPSY OF INFANCY. Identifiers: Orphanet 33069, MedGen C0751122, MONDO:0100135, OMIM 607208.

Submissions (2):

Institute of Human Genetics, University of Leipzig Medical Center
Classification: Pathogenic for Severe myoclonic epilepsy in infancy. Last evaluated: 2025-12-16. Review status: criteria provided, single submitter. Criteria: ACMG Guidelines, 2015. Collection method: clinical testing. Allele origin: unknown. Inheritance: Autosomal dominant inheritance. Affected: yes.
Comment: Criteria applied: PS2,PS4,PP3_MOD,PM2_SUP,PM5_SUP

Consultorio y Laboratorio de Neurogenética, Hospital JM Ramos Mejia
Classification: Likely pathogenic for Severe myoclonic epilepsy in infancy. Review status: criteria provided, single submitter. Criteria: Perez et al. (J Hum Genet. 2020). Collection method: clinical testing. Allele origin: unknown. Inheritance: Autosomal dominant inheritance. Affected: yes. Observed: 1 heterozygote.